The following is an entry in ClinVar:

NM_002936.6(RNASEH1):c.411A>G (p.Gly137=)

Gene: RNASEH1 (ribonuclease H1; minus strand). Cytogenetic location: 2p25.3.
Variant type: single nucleotide variant.
Coding change: c.411A>G on transcript NM_002936.6 (MANE Select); coding-DNA position 411, A replaced by G.
Protein change: p.Gly137=; no amino-acid change (glycine 137 retained).
Molecular consequence: synonymous variant. On other transcripts: non-coding transcript variant (7), splice acceptor variant (1).
Genome position (GRCh38, 1-based): chr2:3,550,471, T>C on the plus strand (A>G on the coding strand, the complement: RNASEH1 is on the minus strand). VCF-style: chr2-3550471-T-C. GRCh37 (hg19) VCF-style: chr2-3598061-T-C.
Other names: c.333A>G, p.Gly111= (NM_001286834.3); c.60A>G, p.Gly20= (NM_001286837.3); c.411A>G, p.Gly137= (NM_001378271.1, NM_001378273.1); c.410-2A>G (NM_001378272.1).
Identifiers: ClinVar variation 739275 (VCV000739275.31), dbSNP rs143901295, ClinGen allele CA1516270.

ClinVar aggregate classification (germline): Likely benign. Review status: criteria provided, multiple submitters, no conflicts (2 of 4 stars). 3 submissions from 3 submitters: Likely benign (2). 1 of the submissions does not count toward it. Last evaluated 2026-09-01.

Conditions:
RNASEH1-related disorder. Also called: RNASEH1-related condition.

Allele frequency attached by ClinVar (database versions not stated): ESP Exome Variant Server 0.00008; ExAC 0.00009; gnomAD 0.00011; gnomAD exomes 0.00012 and 0.00020; TOPMed 0.00012.
gnomAD v4.1: 306 of 1,613,284 alleles (0.019%); highest among the groups gnomAD compares: Non-Finnish European, 0.024%; no homozygotes.

Submissions (3):

CeGaT Center for Human Genetics Tuebingen
Classification: Likely benign. Last evaluated: 2026-09-01. Review status: criteria provided, single submitter. Criteria: CeGaT Center For Human Genetics Tuebingen Variant Classification Criteria Version 2. Collection method: clinical testing. Allele origin: germline. Affected: yes. Observed: 2 variant alleles.
Comment: RNASEH1: BP4, BP7

Labcorp Genetics (formerly Invitae), Labcorp
Classification: Likely benign. Last evaluated: 2026-01-20. Review status: criteria provided, single submitter. Criteria: Invitae Variant Classification Sherloc (09022015). Collection method: clinical testing. Allele origin: germline.

PreventionGenetics, part of Exact Sciences
Classification: Likely benign for RNASEH1-related condition. Last evaluated: 2019-07-23. Review status: no assertion criteria provided. Collection method: clinical testing. Allele origin: germline. Not counted in ClinVar's aggregate classification.
Comment: This variant is classified as likely benign based on ACMG/AMP sequence variant interpretation guidelines (Richards et al. 2015 PMID: 25741868, with internal and published modifications).